The following is an entry in ClinVar:

NM_022081.6(HPS4):c.*1850G>A

Gene: HPS4 (HPS4 biogenesis of lysosomal organelles complex 3 subunit 2; minus strand). Cytogenetic location: 22q12.1.
Variant type: single nucleotide variant.
Coding change: c.*1850G>A on transcript NM_022081.6 (MANE Select); 1850 bases downstream of the stop codon, G replaced by A.
Molecular consequence: 3 prime UTR variant. On other transcripts: non-coding transcript variant (8), intron variant (2).
Genome position (GRCh38, 1-based): chr22:26,451,383, C>T on the plus strand (G>A on the coding strand, the complement: HPS4 is on the minus strand). VCF-style: chr22-26451383-C-T. GRCh37 (hg19) VCF-style: chr22-26847349-C-T.
Other names: c.*1850G>A (NM_001349896.1, NM_001349898.2, NM_001349899.2 and 3 more transcripts); c.*1785G>A (NM_001349902.1, NM_001349903.2); c.1955+6476G>A (NM_001349905.1, NM_001349904.2).
Identifiers: ClinVar variation 903364 (VCV000903364.4), dbSNP rs143168600, ClinGen allele CA322836989.

ClinVar aggregate classification (germline): Likely benign (1 of 4 stars; one submission).

Conditions:
Hermansky-Pudlak syndrome 4 (HPS4). Identifiers: Orphanet 231500, Orphanet 79430, MedGen C3484357, MONDO:0013556, OMIM 614073.

Allele frequency attached by ClinVar (database versions not stated): 1000 Genomes Project 0.00160; 1000 Genomes Project 30x 0.00187; TOPMed 0.00246; gnomAD 0.00441 and 0.00456.

Submission:

Illumina Laboratory Services, Illumina
Classification: Likely benign for Hermansky-Pudlak syndrome 4. Last evaluated: 2018-01-12. Review status: criteria provided, single submitter. Criteria: ICSL Variant Classification Criteria 13 December 2019. Collection method: clinical testing. Allele origin: germline.
Comment: This variant was observed in the ICSL laboratory as part of a predisposition screen in an ostensibly healthy population. It had not been previously curated by ICSL or reported in the Human Gene Mutation Database (HGMD: prior to June 1st, 2018), and was therefore a candidate for classification through an automated scoring system. Utilizing variant allele frequency, disease prevalence and penetrance estimates, and inheritance mode, an automated score was calculated to assess if this variant is too frequent to cause the disease. Based on the score and internal cut-off values, a variant classified as likely benign is not then subjected to further curation. The score for this variant resulted in a classification of likely benign for this disease.